The following is an entry in ClinVar:

ClinVar aggregate classification (germline): Uncertain significance (1 of 4 stars; one submission).

Conditions:
Hereditary cancer-predisposing syndrome. Also called: Neoplastic Syndromes, Hereditary; Tumor predisposition; Hereditary Cancer Syndrome; Hereditary neoplastic syndrome. Identifiers: Orphanet 140162, MedGen C0027672, MeSH D009386, MONDO:0015356.

Submission:

Ambry Genetics
Classification: Uncertain significance for Hereditary cancer-predisposing syndrome. Last evaluated: 2025-09-20. Review status: criteria provided, single submitter. Criteria: Ambry Variant Classification Scheme 2023. Collection method: clinical testing. Allele origin: germline.
Comment: The p.R385T variant (also known as c.1154G>C), located in coding exon 4 of the MSH6 gene, results from a G to C substitution at nucleotide position 1154. The arginine at codon 385 is replaced by threonine, an amino acid with similar properties. This amino acid position is conserved. In addition, the in silico prediction for this alteration is inconclusive. Based on the available evidence, the clinical significance of this variant remains unclear.

NM_000179.3(MSH6):c.1154G>C (p.Arg385Thr)

Gene: MSH6 (mutS homolog 6; plus strand). Cytogenetic location: 2p16.3.
Variant type: single nucleotide variant.
Coding change: c.1154G>C on transcript NM_000179.3 (MANE Select); coding-DNA position 1154, G replaced by C.
Protein change: p.Arg385Thr; replaces arginine 385 with threonine.
Molecular consequence: missense variant. On other transcripts: non-coding transcript variant (4), intron variant (1).
Genome position (GRCh38, 1-based): chr2:47,799,137, G>C. VCF-style: chr2-47799137-G-C. GRCh37 (hg19) VCF-style: chr2-48026276-G-C.
Other names: c.764G>C, p.Arg255Thr (NM_001281492.2); c.248G>C, p.Arg83Thr (NM_001281493.2, NM_001281494.2, NM_001406811.1 and 6 more transcripts); c.1250G>C, p.Arg417Thr (NM_001406795.1, NM_001406802.1); c.1154G>C, p.Arg385Thr (NM_001406796.1, NM_001406798.1, NM_001406800.1 and 4 more transcripts); c.857G>C, p.Arg286Thr (NM_001406797.1, NM_001406801.1, NM_001406805.1 and 10 more transcripts); c.629G>C, p.Arg210Thr (NM_001406799.1, NM_001406806.1, NM_001406807.1); c.1076G>C, p.Arg359Thr (NM_001406804.1); c.1160G>C, p.Arg387Thr (NM_001406813.1); and 2 more; short protein forms R255T, R286T, R417T, R210T, R359T, R329T, R83T, R385T.
Identifiers: ClinVar variation 4657428 (VCV004657428.1).